The following is an entry in ClinVar:

ClinVar aggregate classification (germline): Uncertain significance (1 of 4 stars; one submission).

Conditions:
Familial thoracic aortic aneurysm and aortic dissection (TAAD). Also called: Thoracic aortic aneurysms and dissections. Identifiers: Orphanet 91387, MedGen C4707243, MONDO:0019625.

Submission:

Ambry Genetics
Classification: Uncertain significance for Familial thoracic aortic aneurysm and aortic dissection. Last evaluated: 2021-09-30. Review status: criteria provided, single submitter. Criteria: Ambry Variant Classification Scheme 2023. Collection method: clinical testing. Allele origin: germline.
Comment: The p.T296R variant (also known as c.887C>G), located in coding exon 5 of the TGFBR1 gene, results from a C to G substitution at nucleotide position 887. The threonine at codon 296 is replaced by arginine, an amino acid with similar properties. This amino acid position is conserved. In addition, this alteration is predicted to be deleterious by in silico analysis. Since supporting evidence is limited at this time, the clinical significance of this alteration remains unclear.

NM_004612.4(TGFBR1):c.887C>G (p.Thr296Arg)

Gene: TGFBR1 (transforming growth factor beta receptor 1; plus strand). Cytogenetic location: 9q22.33.
Variant type: single nucleotide variant.
Coding change: c.887C>G on transcript NM_004612.4 (MANE Select); coding-DNA position 887, C replaced by G.
Protein change: p.Thr296Arg; replaces threonine 296 with arginine.
Molecular consequence: missense variant.
Genome position (GRCh38, 1-based): chr9:99,142,617, C>G. VCF-style: chr9-99142617-C-G. GRCh37 (hg19) VCF-style: chr9-101904899-C-G.
Other names: c.656C>G, p.Thr219Arg (NM_001130916.3, NM_001407435.1); c.899C>G, p.Thr300Arg (NM_001306210.2); c.692C>G, p.Thr231Arg (NM_001407418.1, NM_001407419.1, NM_001407420.1 and 1 more transcripts); c.680C>G, p.Thr227Arg (NM_001407423.1, NM_001407424.1, NM_001407425.1 and 8 more transcripts); c.641C>G, p.Thr214Arg (NM_001407436.1); c.179C>G, p.Thr60Arg (NM_001407437.1); c.410C>G, p.Thr137Arg (NM_001407438.1); short protein forms T300R, T137R, T219R, T227R, T231R, T296R, T60R, T214R.
Identifiers: ClinVar variation 1764957 (VCV001764957.2), dbSNP rs2490223786, ClinGen allele CA374230668.